The following is an entry in ClinVar:

NM_001170629.2(CHD8):c.6635C>T (p.Pro2212Leu)

Gene: CHD8 (chromodomain helicase DNA binding protein 8; minus strand). Cytogenetic location: 14q11.2.
Variant type: single nucleotide variant.
Coding change: c.6635C>T on transcript NM_001170629.2 (MANE Select); coding-DNA position 6635, C replaced by T.
Protein change: p.Pro2212Leu; replaces proline 2212 with leucine.
Molecular consequence: missense variant.
Genome position (GRCh38, 1-based): chr14:21,392,643, G>A on the plus strand (C>T on the coding strand, the complement: CHD8 is on the minus strand). VCF-style: chr14-21392643-G-A. GRCh37 (hg19) VCF-style: chr14-21860802-G-A.
Other names: c.5798C>T, p.Pro1933Leu (NM_020920.4); short protein forms P1933L, P2212L.
Identifiers: ClinVar variation 1683887 (VCV001683887.8), dbSNP rs1276002313, ClinGen allele CA388878471.

ClinVar aggregate classification (germline): Uncertain significance. Review status: criteria provided, multiple submitters, no conflicts (2 of 4 stars). 3 submissions from 3 submitters: Uncertain significance (3). Last evaluated 2025-08-01.

Conditions:
Inborn genetic diseases. Identifiers: MedGen C0950123, MeSH D030342.

Allele frequency attached by ClinVar (database versions not stated): gnomAD exomes below 0.00001 and 0.00002; gnomAD 0.00001; TOPMed 0.00003.
gnomAD v4.1: 27 of 1,613,846 alleles (0.0017%); highest among the groups gnomAD compares: Non-Finnish European, 0.0022%; no homozygotes.

Submissions (3):

Ambry Genetics
Classification: Uncertain significance for Inborn genetic diseases. Last evaluated: 2025-08-01. Review status: criteria provided, single submitter. Criteria: Ambry Variant Classification Scheme 2023. Collection method: clinical testing. Allele origin: germline.

Labcorp Genetics (formerly Invitae), Labcorp
Classification: Uncertain significance. Last evaluated: 2024-04-11. Review status: criteria provided, single submitter. Criteria: Invitae Variant Classification Sherloc (09022015). Collection method: clinical testing. Allele origin: germline.
Comment: This sequence change replaces proline, which is neutral and non-polar, with leucine, which is neutral and non-polar, at codon 2212 of the CHD8 protein (p.Pro2212Leu). This variant is present in population databases (no rsID available, gnomAD 0.003%). This variant has not been reported in the literature in individuals affected with CHD8-related conditions. ClinVar contains an entry for this variant (Variation ID: 1683887). Advanced modeling of protein sequence and biophysical properties (such as structural, functional, and spatial information, amino acid conservation, physicochemical variation, residue mobility, and thermodynamic stability) performed at Invitae indicates that this missense variant is not expected to disrupt CHD8 protein function with a negative predictive value of 80%. In summary, the available evidence is currently insufficient to determine the role of this variant in disease. Therefore, it has been classified as a Variant of Uncertain Significance.

GeneDx
Classification: Uncertain significance. Last evaluated: 2021-11-01. Review status: criteria provided, single submitter. Criteria: GeneDx Variant Classification Process June 2021. Collection method: clinical testing. Allele origin: germline. Affected: yes.
Comment: Not observed at significant frequency in large population cohorts (gnomAD); In silico analysis supports that this missense variant does not alter protein structure/function; Has not been previously published as pathogenic or benign to our knowledge; This variant is associated with the following publications: (PMID: 23285124)